The following is an entry in ClinVar:

ClinVar aggregate classification (germline): Uncertain significance. Review status: criteria provided, multiple submitters, no conflicts (2 of 4 stars). 2 submissions from 2 submitters: Uncertain significance (2). Last evaluated 2025-06-28.

Conditions:
Cardiovascular phenotype. Identifiers: MedGen CN230736.
Walker-Warburg congenital muscular dystrophy. Also called: Muscular dystrophy-dystroglycanopathy, type A; Walker-Warburg syndrome. Identifiers: Orphanet 899, MedGen C0265221, MONDO:0000171.

gnomAD v4.1: 3 of 1,613,274 alleles (0.00019%); highest among the groups gnomAD compares: Non-Finnish European, 0.00025%; no homozygotes.

Submissions (2):

Ambry Genetics
Classification: Uncertain significance for Cardiovascular phenotype. Last evaluated: 2025-06-28. Review status: criteria provided, single submitter. Criteria: Ambry Variant Classification Scheme 2023. Collection method: clinical testing. Allele origin: germline.
Comment: The p.D225E variant (also known as c.675T>A), located in coding exon 5 of the FKTN gene, results from a T to A substitution at nucleotide position 675. The aspartic acid at codon 225 is replaced by glutamic acid, an amino acid with highly similar properties. This amino acid position is conserved. In addition, this alteration is predicted to be deleterious by in silico analysis. Based on the available evidence, the clinical significance of this variant remains unclear.

Labcorp Genetics (formerly Invitae), Labcorp
Classification: Uncertain significance for Walker-Warburg congenital muscular dystrophy. Last evaluated: 2021-12-24. Review status: criteria provided, single submitter. Criteria: Invitae Variant Classification Sherloc (09022015). Collection method: clinical testing. Allele origin: germline.
Comment: This sequence change replaces aspartic acid, which is acidic and polar, with glutamic acid, which is acidic and polar, at codon 225 of the FKTN protein (p.Asp225Glu). This variant is present in population databases (no rsID available, gnomAD 0.0009%). This variant has not been reported in the literature in individuals affected with FKTN-related conditions. Advanced modeling of protein sequence and biophysical properties (such as structural, functional, and spatial information, amino acid conservation, physicochemical variation, residue mobility, and thermodynamic stability) performed at Invitae indicates that this missense variant is expected to disrupt FKTN protein function. Algorithms developed to predict the effect of sequence changes on RNA splicing suggest that this variant may create or strengthen a splice site. In summary, the available evidence is currently insufficient to determine the role of this variant in disease. Therefore, it has been classified as a Variant of Uncertain Significance.

NM_001079802.2(FKTN):c.675T>A (p.Asp225Glu)

Gene: FKTN (fukutin; plus strand). Cytogenetic location: 9q31.2.
Variant type: single nucleotide variant.
Coding change: c.675T>A on transcript NM_001079802.2 (MANE Select); coding-DNA position 675, T replaced by A.
Protein change: p.Asp225Glu; replaces aspartic acid 225 with glutamic acid.
Molecular consequence: missense variant. On other transcripts: non-coding transcript variant (2).
Genome position (GRCh38, 1-based): chr9:105,607,846, T>A. VCF-style: chr9-105607846-T-A. GRCh37 (hg19) VCF-style: chr9-108370127-T-A.
Other names: c.675T>A, p.Asp225Glu (NM_001198963.2, NM_001351496.2, NM_001351498.2 and 1 more transcripts); c.606T>A, p.Asp202Glu (NM_001351497.2); c.279T>A, p.Asp93Glu (NM_001351499.2, NM_001351500.2, NM_001351501.2 and 1 more transcripts); short protein forms D93E, D202E, D225E.
Identifiers: ClinVar variation 1963522 (VCV001963522.3), dbSNP rs779298204, ClinGen allele CA374332516.
Genomic context (GRCh38, chr9:105,607,846, plus strand): 5'-CCCTCATTAATAAATCTTAACTTTTGTTTTCAGGCCAGAGTTACAGCAAGTTACTGTTGA[T>A]GGACTGGAAGTTCTCATTCCAAAGGATCCAATGCACTTTGTAGAAGAAGTACCACACTCT-3'
Protein context (NP_001073270.1, residues 215-235): DRPELQQVTV[Asp225Glu]GLEVLIPKDP